The following is an entry in ClinVar:

ClinVar aggregate classification (germline): Likely benign. Review status: criteria provided, single submitter (1 of 4 stars). 2 submissions from 2 submitters: Likely benign (1). 1 of the submissions does not count toward it. Last evaluated 2026-01-28.

Conditions:
HR-related disorder. Also called: HR-related condition; HR-related disorders. Identifiers: MedGen CN239293.

Allele frequency attached by ClinVar (database versions not stated): gnomAD exomes 0.00003; ExAC 0.00007; ESP Exome Variant Server 0.00023; TOPMed 0.00029; gnomAD 0.00033; 1000 Genomes Project 30x 0.00047; 1000 Genomes Project 0.00060.
gnomAD v4.1: 94 of 1,611,280 alleles (0.0058%); highest among the groups gnomAD compares: African/African-American, 0.11%; 1 homozygote.

Submissions (2):

Labcorp Genetics (formerly Invitae), Labcorp
Classification: Likely benign. Last evaluated: 2026-01-28. Review status: criteria provided, single submitter. Criteria: Invitae Variant Classification Sherloc (09022015). Collection method: clinical testing. Allele origin: germline.

PreventionGenetics, part of Exact Sciences
Classification: Likely benign for HR-related condition. Last evaluated: 2019-05-02. Review status: no assertion criteria provided. Collection method: clinical testing. Allele origin: germline. Not counted in ClinVar's aggregate classification.
Comment: This variant is classified as likely benign based on ACMG/AMP sequence variant interpretation guidelines (Richards et al. 2015 PMID: 25741868, with internal and published modifications).

NM_005144.5(HR):c.597C>T (p.Phe199=)

Gene: HR (HR lysine demethylase and nuclear receptor corepressor; minus strand). Cytogenetic location: 8p21.3.
Variant type: single nucleotide variant.
Coding change: c.597C>T on transcript NM_005144.5 (MANE Select); coding-DNA position 597, C replaced by T.
Protein change: p.Phe199=; no amino-acid change (phenylalanine 199 retained).
Molecular consequence: synonymous variant.
Genome position (GRCh38, 1-based): chr8:22,128,574, G>A on the plus strand (C>T on the coding strand, the complement: HR is on the minus strand). VCF-style: chr8-22128574-G-A. GRCh37 (hg19) VCF-style: chr8-21986087-G-A.
Other names: c.597C>T (NM_005144.4); c.597C>T, p.Phe199= (NM_018411.4).
Identifiers: ClinVar variation 2085168 (VCV002085168.6), dbSNP rs144336528, ClinGen allele CA4662688.